The following is an entry in ClinVar:

ClinVar aggregate classification (germline): Uncertain significance (1 of 4 stars; one submission).

Submission:

GeneDx
Classification: Uncertain significance. Last evaluated: 2025-03-26. Review status: criteria provided, single submitter. Criteria: GeneDx Variant Classification Process June 2021. Collection method: clinical testing. Allele origin: germline. Affected: yes.
Comment: Not observed at significant frequency in large population cohorts (gnomAD); In silico analysis indicates that this missense variant does not alter protein structure/function; Has not been previously published as pathogenic or benign to our knowledge

NM_033517.1:c.2188A>T

Gene: SHANK3 (SH3 and multiple ankyrin repeat domains 3; plus strand).
Variant type: single nucleotide variant.
Other names: c.2188A>T (NM_033517.1).
Identifiers: ClinVar variation 4088149 (VCV004088149.1).